The following is an entry in ClinVar:

ClinVar aggregate classification (germline): Pathogenic/Likely pathogenic. Review status: criteria provided, multiple submitters, no conflicts (2 of 4 stars). 2 submissions from 2 submitters: Pathogenic (1); Likely pathogenic (1). Last evaluated 2022-08-09.

Conditions:
Duchenne muscular dystrophy (DMD). Also called: MUSCULAR DYSTROPHY, PSEUDOHYPERTROPHIC PROGRESSIVE, DUCHENNE TYPE; Duchenne Muscular Dystrophy (DMD). Identifiers: Orphanet 98896, MedGen C0013264, MONDO:0010679, OMIM 310200.

Submissions (2):

Labcorp Genetics (formerly Invitae), Labcorp
Classification: Pathogenic for Duchenne muscular dystrophy. Last evaluated: 2022-08-09. Review status: criteria provided, single submitter. Criteria: Invitae Variant Classification Sherloc (09022015). Collection method: clinical testing. Allele origin: germline.
Comment: For these reasons, this variant has been classified as Pathogenic. ClinVar contains an entry for this variant (Variation ID: 1322326). This premature translational stop signal has been observed in individual(s) with Duchenne muscular dystrophy (PMID: 20485447). This variant is not present in population databases (gnomAD no frequency). This sequence change creates a premature translational stop signal (p.Trp118*) in the DMD gene. It is expected to result in an absent or disrupted protein product. Loss-of-function variants in DMD are known to be pathogenic (PMID: 16770791, 25007885).

Neuberg Centre For Genomic Medicine, NCGM
Classification: Likely pathogenic for Duchenne muscular dystrophy. Review status: criteria provided, single submitter. Criteria: ACMG Guidelines, 2015. Collection method: clinical testing. Allele origin: germline. Inheritance: X-linked inheritance. Affected: yes.
Comment: The variant c.354G>A (p.Trp118Ter) in DMD gene has been reported previously in patients affected with DMD (Liu, Yedan, et al). The p.Trp118Ter variant is novel (not in any individuals) in gnomAD Exomes and is novel (not in any individuals) in 1000 Genomes. This variant has been reported to ClinVar database as pathogenic. This variant is predicted to cause loss of normal protein function through protein truncation. Loss of function variants have been previously reported to be disease causing. The nucleotide change in DMD is predicted as conserved by GERP++ and PhyloP across 100 vertebrates. For these reasons, this variant has been classified as Likely Pathogenic

Literature cited by the submitters: PubMed 20485447 (cited by Labcorp Genetics (formerly Invitae), Labcorp); PubMed 16770791 (cited by Labcorp Genetics (formerly Invitae), Labcorp); PubMed 25007885 (cited by Labcorp Genetics (formerly Invitae), Labcorp).

NM_004006.3(DMD):c.354G>A (p.Trp118Ter)

Gene: DMD (dystrophin; minus strand). Cytogenetic location: Xp21.1.
Variant type: single nucleotide variant.
Coding change: c.354G>A on transcript NM_004006.3 (MANE Select); coding-DNA position 354, G replaced by A.
Protein change: p.Trp118Ter; replaces tryptophan 118 with a stop codon.
Molecular consequence: nonsense. On other transcripts: 5 prime UTR variant (1).
Genome position (GRCh38, 1-based): chrX:32,823,298, C>T on the plus strand (G>A on the coding strand, the complement: DMD is on the minus strand). VCF-style: chrX-32823298-C-T. GRCh37 (hg19) VCF-style: chrX-32841415-C-T.
Other names: c.330G>A, p.Trp110Ter (NM_000109.4); c.342G>A, p.Trp114Ter (NM_004009.3); c.-16G>A (NM_004010.3); short protein forms W110*, W114*, W118*.
Identifiers: ClinVar variation 1322326 (VCV001322326.9), dbSNP rs2148849959, ClinGen allele CA412674416.